The following is an entry in ClinVar:

NM_001009944.3(PKD1):c.1361G>C (p.Arg454Pro)

Gene: PKD1 (polycystin 1, transient receptor potential channel interacting; minus strand). Cytogenetic location: 16p13.3.
Variant type: single nucleotide variant.
Coding change: c.1361G>C on transcript NM_001009944.3 (MANE Select); coding-DNA position 1361, G replaced by C.
Protein change: p.Arg454Pro; replaces arginine 454 with proline.
Molecular consequence: missense variant.
Genome position (GRCh38, 1-based): chr16:2,117,513, C>G on the plus strand (G>C on the coding strand, the complement: PKD1 is on the minus strand). VCF-style: chr16-2117513-C-G. GRCh37 (hg19) VCF-style: chr16-2167514-C-G.
Other names: c.1361G>C, p.Arg454Pro (NM_000296.4); short protein forms R454P.
Identifiers: ClinVar variation 1801937 (VCV001801937.3), dbSNP rs1244006755, ClinGen allele CA394392413.

ClinVar aggregate classification (germline): Uncertain significance. Review status: criteria provided, multiple submitters, no conflicts (2 of 4 stars). 2 submissions from 2 submitters: Uncertain significance (2). Last evaluated 2026-06-18.

Conditions:
PKD1-related disorder. Also called: PKD1-related condition.

gnomAD v4.1: 1 of 1,573,896 alleles (0.000064%); highest among the groups gnomAD compares: African/African-American, 0.0014%; no homozygotes.

Submissions (2):

PreventionGenetics, part of Exact Sciences
Classification: Uncertain significance for PKD1-related condition. Last evaluated: 2026-06-18. Review status: criteria provided, single submitter. Criteria: ACMG Guidelines, 2015. Collection method: clinical testing. Allele origin: germline.
Comment: The PKD1 c.1361G>C variant is predicted to result in the amino acid substitution p.Arg454Pro. To our knowledge, this variant has not been reported in the literature or in a large population database (gnomAD), indicating this variant is rare. At this time, the clinical significance of the c.1361G>C (p.Arg454Pro) variant is uncertain due to the absence of conclusive functional and genetic evidence.

GeneDx
Classification: Uncertain significance. Last evaluated: 2022-05-31. Review status: criteria provided, single submitter. Criteria: GeneDx Variant Classification Process June 2021. Collection method: clinical testing. Allele origin: germline. Affected: yes.
Comment: Not observed at significant frequency in large population cohorts (gnomAD); In silico analysis supports that this missense variant does not alter protein structure/function; Has not been previously published as pathogenic or benign to our knowledge; This variant is associated with the following publications: (PMID: 25757501)